The following is an entry in ClinVar:

NM_000051.4(ATM):c.5960C>A (p.Ser1987Tyr)

Genes: ATM (ATM serine/threonine kinase; plus strand), C11orf65 (chromosome 11 open reading frame 65; minus strand). Cytogenetic location: 11q22.3.
Variant type: single nucleotide variant.
Coding change: c.5960C>A on transcript NM_000051.4 (MANE Select); coding-DNA position 5960, C replaced by A.
Protein change: p.Ser1987Tyr; replaces serine 1987 with tyrosine.
Molecular consequence: missense variant. On other transcripts: intron variant (2).
Genome position (GRCh38, 1-based): chr11:108,312,452, C>A. VCF-style: chr11-108312452-C-A. GRCh37 (hg19) VCF-style: chr11-108183179-C-A.
Other names: c.5960C>A, p.Ser1987Tyr (NM_001351834.2); c.641-3381G>T (NM_001330368.2); c.*39-3381G>T (NM_001351110.2); short protein forms S1987Y.
Identifiers: ClinVar variation 3222061 (VCV003222061.1), dbSNP rs1381079714, ClinGen allele CA382548713.

ClinVar aggregate classification (germline): Uncertain significance (1 of 4 stars; one submission).

Conditions:
Hereditary cancer-predisposing syndrome. Also called: Tumor predisposition; Hereditary Cancer Syndrome; Hereditary neoplastic syndrome; Neoplastic Syndromes, Hereditary. Identifiers: Orphanet 140162, MedGen C0027672, MeSH D009386, MONDO:0015356.

Submission:

Ambry Genetics
Classification: Uncertain significance for Hereditary cancer-predisposing syndrome. Last evaluated: 2023-11-29. Review status: criteria provided, single submitter. Criteria: Ambry Variant Classification Scheme 2023. Collection method: clinical testing. Allele origin: germline.
Comment: The p.S1987Y variant (also known as c.5960C>A), located in coding exon 39 of the ATM gene, results from a C to A substitution at nucleotide position 5960. The serine at codon 1987 is replaced by tyrosine, an amino acid with dissimilar properties. This amino acid position is conserved. In addition, this alteration is predicted to be tolerated by in silico analysis. Since supporting evidence is limited at this time, the clinical significance of this alteration remains unclear.